The following is an entry in ClinVar:

NM_007126.5(VCP):c.1482+4G>A

Gene: VCP (valosin containing protein; minus strand). Cytogenetic location: 9p13.3.
Variant type: single nucleotide variant.
Coding change: c.1482+4G>A on transcript NM_007126.5 (MANE Select); 4 bases into the intron after coding-DNA position 1482, G replaced by A.
Molecular consequence: intron variant.
Genome position (GRCh38, 1-based): chr9:35,060,797, C>T on the plus strand (G>A on the coding strand, the complement: VCP is on the minus strand). VCF-style: chr9-35060797-C-T. GRCh37 (hg19) VCF-style: chr9-35060794-C-T.
Other names: c.1482+4G>A (NM_007126.3); c.1347+4G>A (NM_001354927.2, NM_001354928.2).
Identifiers: ClinVar variation 1513065 (VCV001513065.9), dbSNP rs768327051, ClinGen allele CA5039248.

ClinVar aggregate classification (germline): Uncertain significance. Review status: criteria provided, multiple submitters, no conflicts (2 of 4 stars). 3 submissions from 3 submitters: Uncertain significance (3). Last evaluated 2026-09-09.

Conditions:
Inclusion body myopathy with Paget disease of bone and frontotemporal dementia. Also called: Inclusion body myopathy with early-onset Paget disease and frontotemporal dementia. Identifiers: Orphanet 52430, MedGen C1833662, MONDO:0000507.
Frontotemporal dementia and/or amyotrophic lateral sclerosis 6 (FTDALS6). Also called: VCP-Related Amyotrophic Lateral Sclerosis; VCP-Related Amyotrophic Lateral Sclerosis/Frontotemporal Dementia. Identifiers: Orphanet 275872, Orphanet 803, MedGen C5436279, MONDO:0013501, OMIM 613954.
VCP-related disorder. Also called: VCP-related condition; VCP-related disorders.

Allele frequency attached by ClinVar (database versions not stated): ExAC 0.00001; gnomAD exomes 0.00001; gnomAD 0.00005 and 0.00006; TOPMed 0.00007.
gnomAD v4.1: 21 of 1,614,042 alleles (0.0013%); highest among the groups gnomAD compares: African/African-American, 0.024%; no homozygotes.

Submissions (3):

PreventionGenetics, part of Exact Sciences
Classification: Uncertain significance for VCP-related condition. Last evaluated: 2026-09-09. Review status: criteria provided, single submitter. Criteria: ACMG Guidelines, 2015. Collection method: clinical testing. Allele origin: germline.
Comment: The VCP c.1482+4G>A variant is predicted to interfere with splicing. To our knowledge, this variant has not been reported in the literature. This variant is reported in 0.016% of alleles in individuals of African descent in gnomAD. Although we suspect that this variant may be benign, at this time, the clinical significance of this variant is uncertain due to the absence of conclusive functional and genetic evidence.

Labcorp Genetics (formerly Invitae), Labcorp
Classification: Uncertain significance for Inclusion body myopathy with Paget disease of bone and frontotemporal dementia; Frontotemporal dementia and/or amyotrophic lateral sclerosis 6. Last evaluated: 2025-09-28. Review status: criteria provided, single submitter. Criteria: Invitae Variant Classification Sherloc (09022015). Collection method: clinical testing. Allele origin: germline.
Comment: This sequence change falls in intron 12 of the VCP gene. It does not directly change the encoded amino acid sequence of the VCP protein. It affects a nucleotide within the consensus splice site. This variant is present in population databases (rs768327051, gnomAD 0.01%). This variant has not been reported in the literature in individuals affected with VCP-related conditions. ClinVar contains an entry for this variant (Variation ID: 1513065). Variants that disrupt the consensus splice site are a relatively common cause of aberrant splicing (PMID: 17576681, 9536098). Algorithms developed to predict the effect of sequence changes on RNA splicing suggest that this variant is not likely to affect RNA splicing. In summary, the available evidence is currently insufficient to determine the role of this variant in disease. Therefore, it has been classified as a Variant of Uncertain Significance.

Revvity Omics, Revvity
Classification: Uncertain significance. Last evaluated: 2022-04-13. Review status: criteria provided, single submitter. Criteria: ACMG Guidelines, 2015. Collection method: clinical testing. Allele origin: germline.

Literature cited by the submitters: PubMed 17576681 (cited by Labcorp Genetics (formerly Invitae), Labcorp); PubMed 9536098 (cited by Labcorp Genetics (formerly Invitae), Labcorp).